The following is an entry in ClinVar:

NM_181675.4(PPP2R2B):c.964C>A (p.His322Asn)

Genes: CTB-99A3.1 (uncharacterized CTB-99A3.1; plus strand), PPP2R2B (protein phosphatase 2 regulatory subunit Bbeta; minus strand). Cytogenetic location: 5q32.
Variant type: single nucleotide variant.
Coding change: c.964C>A on transcript NM_181675.4 (MANE Select); coding-DNA position 964, C replaced by A.
Protein change: p.His322Asn; replaces histidine 322 with asparagine.
Molecular consequence: missense variant. On other transcripts: non-coding transcript variant (2).
Genome position (GRCh38, 1-based): chr5:146,593,059, G>T on the plus strand (C>A on the coding strand, the complement: PPP2R2B is on the minus strand). VCF-style: chr5-146593059-G-T. GRCh37 (hg19) VCF-style: chr5-145972622-G-T.
Other names: c.964C>A, p.His322Asn (NM_001127381.1, NM_004576.2); c.982C>A, p.His328Asn (NM_001271899.1); c.1138C>A, p.His380Asn (NM_001271900.2); c.931C>A, p.His311Asn (NM_001271948.2, NM_181678.2); c.1162C>A, p.His388Asn (NM_181674.3); c.973C>A, p.His325Asn (NM_181676.3); c.904C>A, p.His302Asn (NM_181677.2); short protein forms H302N, H311N, H322N, H325N, H328N, H380N, H388N.
Identifiers: ClinVar variation 1723101 (VCV001723101.2), dbSNP rs2482711637, ClinGen allele CA361880428.
Genomic context (GRCh38, chr5:146,593,059, plus strand): 5'-ATTTATCAAAAATGCAGTCATTTTCATAGAGGGAACACAGCTTGCTGCGGAGGTAGTCAT[G>T]AACCTGGAGAGGAAACATATCGAGAAGGTCAGTTATTATTTTAAACAGTAATTATTTCTG-3'
Protein context (NP_858061.3, residues 312-332): ENRPIETYQV[His322Asn]DYLRSKLCSL

ClinVar aggregate classification (germline): Uncertain significance (1 of 4 stars; one submission).

Submission:

GeneDx
Classification: Uncertain significance. Last evaluated: 2022-05-05. Review status: criteria provided, single submitter. Criteria: GeneDx Variant Classification Process June 2021. Collection method: clinical testing. Allele origin: germline. Affected: yes.
Comment: Not observed at significant frequency in large population cohorts (gnomAD); In silico analysis supports that this missense variant has a deleterious effect on protein structure/function; Has not been previously published as pathogenic or benign to our knowledge